The following is an entry in ClinVar:

ClinVar aggregate classification (germline): Uncertain significance (1 of 4 stars; one submission).

Submission:

Ambry Genetics
Classification: Uncertain significance. Last evaluated: 2024-05-10. Review status: criteria provided, single submitter. Criteria: Ambry Variant Classification Scheme 2023. Collection method: clinical testing. Allele origin: germline.
Comment: The p.Y180H variant (also known as c.538T>C), located in coding exon 4 of the BUB3 gene, results from a T to C substitution at nucleotide position 538. The tyrosine at codon 180 is replaced by histidine, an amino acid with similar properties. This amino acid position is conserved. In addition, the in silico prediction for this alteration is inconclusive. Based on the available evidence, the clinical significance of this variant remains unclear.

NM_004725.4(BUB3):c.538T>C (p.Tyr180His)

Gene: BUB3 (BUB3 mitotic checkpoint protein; plus strand). Cytogenetic location: 10q26.13.
Variant type: single nucleotide variant.
Coding change: c.538T>C on transcript NM_004725.4 (MANE Select); coding-DNA position 538, T replaced by C.
Protein change: p.Tyr180His; replaces tyrosine 180 with histidine.
Molecular consequence: missense variant.
Genome position (GRCh38, 1-based): chr10:123,160,527, T>C. VCF-style: chr10-123160527-T-C. GRCh37 (hg19) VCF-style: chr10-124920043-T-C.
Other names: c.538T>C, p.Tyr180His (NM_001007793.3); short protein forms Y180H.
Identifiers: ClinVar variation 3262308 (VCV003262308.1).
Genomic context (GRCh38, chr10:123,160,527, plus strand): 5'-TTGGTGTGGGACTTACGGAACATGGGTTACGTGCAGCAGCGCAGGGAGTCCAGCCTGAAA[T>C]ACCAGACTCGCTGCATACGAGCGTTTCCAAACAAGCAGGTATTGAACTATACCTCCTCTT-3'
Protein context (NP_004716.1, residues 170-190): VQQRRESSLK[Tyr180His]QTRCIRAFPN